The following is an entry in ClinVar:

NM_002951.5(RPN2):c.303+8C>T

Gene: RPN2 (ribophorin II; plus strand). Cytogenetic location: 20q11.23.
Variant type: single nucleotide variant.
Coding change: c.303+8C>T on transcript NM_002951.5 (MANE Select); 8 bases into the intron after coding-DNA position 303, C replaced by T.
Molecular consequence: intron variant.
Genome position (GRCh38, 1-based): chr20:37,198,500, C>T. VCF-style: chr20-37198500-C-T. GRCh37 (hg19) VCF-style: chr20-35826903-C-T.
Other names: c.303+8C>T (NM_001324301.2, NM_001324305.2, NM_001324304.2 and 3 more transcripts); c.208-550C>T (NM_001135771.3); c.9-5385C>T (NM_001324306.2).
Identifiers: ClinVar variation 779621 (VCV000779621.13), dbSNP rs201883402, ClinGen allele CA9846809.

ClinVar aggregate classification (germline): Benign/Likely benign. Review status: criteria provided, multiple submitters, no conflicts (2 of 4 stars). 3 submissions from 3 submitters: Benign (2); Likely benign (1). Last evaluated 2026-01-22.

Conditions:
Congenital disorder of glycosylation (CDG). Also called: Congenital disorders of glycosylation; Carbohydrate-deficient glycoprotein syndrome. Identifiers: Orphanet 137, MedGen C0282577, MONDO:0015286.

Allele frequency attached by ClinVar (database versions not stated): 1000 Genomes Project 0.00260; 1000 Genomes Project 30x 0.00281; TOPMed 0.00340; ESP Exome Variant Server 0.00423; gnomAD exomes 0.00473; ExAC 0.00477.
gnomAD v4.1: 7,432 of 1,614,098 alleles (0.46%); highest among the groups gnomAD compares: South Asian, 0.92%; 30 homozygotes.

Submissions (3):

Labcorp Genetics (formerly Invitae), Labcorp
Classification: Benign for Congenital disorder of glycosylation. Last evaluated: 2026-01-22. Review status: criteria provided, single submitter. Criteria: Invitae Variant Classification Sherloc (09022015). Collection method: clinical testing. Allele origin: germline.

GeneDx
Classification: Likely benign. Last evaluated: 2021-05-24. Review status: criteria provided, single submitter. Criteria: GeneDx Variant Classification Process June 2021. Collection method: clinical testing. Allele origin: germline. Affected: yes.
Comment: See Variant Classification Assertion Criteria.

Breakthrough Genomics
Classification: Benign. Review status: criteria provided, single submitter. Criteria: ACMG Guidelines, 2015. Collection method: not provided. Allele origin: germline. Inheritance: Unknown mechanism. Affected: yes.